The following is an entry in ClinVar:

ClinVar aggregate classification (germline): Uncertain significance (1 of 4 stars; one submission).

gnomAD v4.1: 146 of 1,520,318 alleles (0.0096%); highest among the groups gnomAD compares: African/African-American, 0.15%; no homozygotes.

Submission:

GeneDx
Classification: Uncertain significance. Last evaluated: 2025-05-29. Review status: criteria provided, single submitter. Criteria: GeneDx Variant Classification Process June 2021. Collection method: clinical testing. Allele origin: germline. Affected: yes.
Comment: Reported in individuals with premature ovarian insufficiency, but familial segregation information was not provided (PMID: 25750103, 39999035); In silico analysis supports that this missense variant has a deleterious effect on protein structure/function; This variant is associated with the following publications: (PMID: 25750103, 39999035)

NM_000479.5(AMH):c.790G>C (p.Gly264Arg)

Gene: AMH (anti-Mullerian hormone; plus strand). Cytogenetic location: 19p13.3.
Variant type: single nucleotide variant.
Coding change: c.790G>C on transcript NM_000479.5 (MANE Select); coding-DNA position 790, G replaced by C.
Protein change: p.Gly264Arg; replaces glycine 264 with arginine.
Molecular consequence: missense variant.
Genome position (GRCh38, 1-based): chr19:2,250,974, G>C. VCF-style: chr19-2250974-G-C. GRCh37 (hg19) VCF-style: chr19-2250973-G-C.
Other names: short protein forms G264R.
Identifiers: ClinVar variation 4532320 (VCV004532320.1).